The following is an entry in ClinVar:

ClinVar aggregate classification (germline): Pathogenic/Likely pathogenic. Review status: criteria provided, multiple submitters, no conflicts (2 of 4 stars). 3 submissions from 3 submitters: Pathogenic (2); Likely pathogenic (1). Last evaluated 2025-11-07.

Conditions:
Asphyxiating thoracic dystrophy 3. Also called: SHORT-RIB THORACIC DYSPLASIA 3/6 WITH POLYDACTYLY, DIGENIC; SHORT-RIB THORACIC DYSPLASIA 3 WITH OR WITHOUT POLYDACTYLY; POLYDACTYLY WITH NEONATAL CHONDRODYSTROPHY, TYPE I; Short rib polydactyly syndrome 2B; Saldino-Noonan Syndrome. Identifiers: Orphanet 474, Orphanet 93269, Orphanet 93270, Orphanet 93271, MedGen C0036069, MONDO:0013127, OMIM 613091.
Jeune thoracic dystrophy. Also called: Jeune syndrome; Infantile thoracic dystrophy; Thoracic pelvic phalangeal dystrophy; Jeune's syndrome; Chondroectodermal dysplasia-like syndrome; Short-rib thoracic dysplasia. Identifiers: Orphanet 474, MedGen C0265275, MONDO:0018770.

Submissions (3):

Myriad Genetics, Inc.
Classification: Pathogenic for Asphyxiating thoracic dystrophy 3. Last evaluated: 2025-11-07. Review status: criteria provided, single submitter. Criteria: Myriad Autosomal Dominant, Autosomal Recessive and X-Linked Classification Criteria (2023). Collection method: clinical testing. Allele origin: unknown.
Comment: NM_001377.2(DYNC2H1):c.6485_6486delAT(Y2162Cfs*24) is a frameshift variant classified as pathogenic in the context of DYNC2H1-related disorders. Y2162Cfs*24 has not been observed in cases with relevant disease. Relevant functional assessments of this variant are not available in the literature. Y2162Cfs*24 has not been observed in referenced population frequency databases. In summary, NM_001377.2(DYNC2H1):c.6485_6486delAT(Y2162Cfs*24) is a frameshift variant in a gene where loss of function is a known mechanism of disease and is predicted to disrupt protein function. Please note: this variant was assessed in the context of healthy population screening.

Fulgent Genetics
Classification: Likely pathogenic for Asphyxiating thoracic dystrophy 3. Last evaluated: 2024-02-19. Review status: criteria provided, single submitter. Criteria: ACMG Guidelines, 2015. Collection method: clinical testing. Allele origin: germline.

Labcorp Genetics (formerly Invitae), Labcorp
Classification: Pathogenic for Jeune thoracic dystrophy. Last evaluated: 2023-07-29. Review status: criteria provided, single submitter. Criteria: Invitae Variant Classification Sherloc (09022015). Collection method: clinical testing. Allele origin: germline.
Comment: For these reasons, this variant has been classified as Pathogenic. This variant has not been reported in the literature in individuals affected with DYNC2H1-related conditions. This variant is not present in population databases (gnomAD no frequency). This sequence change creates a premature translational stop signal (p.Tyr2162Cysfs*24) in the DYNC2H1 gene. It is expected to result in an absent or disrupted protein product. Loss-of-function variants in DYNC2H1 are known to be pathogenic (PMID: 23339108, 32753734, 33755199).

Literature cited by the submitters: PubMed 23339108 (cited by Labcorp Genetics (formerly Invitae), Labcorp); PubMed 32753734 (cited by Labcorp Genetics (formerly Invitae), Labcorp); PubMed 33755199 (cited by Labcorp Genetics (formerly Invitae), Labcorp).

NM_001377.3(DYNC2H1):c.6485_6486del (p.Tyr2162fs)

Gene: DYNC2H1 (dynein cytoplasmic 2 heavy chain 1; plus strand). Cytogenetic location: 11q22.3.
Variant type: Deletion.
Coding change: c.6485_6486del on transcript NM_001377.3 (MANE Select); coding-DNA positions 6485 to 6486, 2 bases deleted (AT; older notation c.6485_6486delAT).
Protein change: p.Tyr2162fs; shifts the reading frame from tyrosine 2162.
Molecular consequence: frameshift variant.
Genome position (GRCh38, 1-based): chr11:103,184,903-103,184,904, AT deleted; deleting any 2 consecutive bases within chr11:103,184,902-103,184,904 gives the same sequence; the c. name uses the placement nearest the transcript's 3' end. VCF-style (leftmost placement, unchanged base first): chr11-103184901-CTA-C. GRCh37 (hg19) VCF-style: chr11-103055630-CTA-C.
Other names: c.6485_6486del, p.Tyr2162fs (NM_001080463.2); short protein forms Y2162fs.
Identifiers: ClinVar variation 2738533 (VCV002738533.6), dbSNP rs2496272489, ClinGen allele CA2574963012.